The following is an entry in ClinVar:

ClinVar aggregate classification (germline): Uncertain significance (1 of 4 stars; one submission).

Conditions:
Hereditary cancer-predisposing syndrome. Also called: Tumor predisposition; Neoplastic Syndromes, Hereditary; Hereditary Cancer Syndrome; Hereditary neoplastic syndrome. Identifiers: Orphanet 140162, MedGen C0027672, MeSH D009386, MONDO:0015356.

Submission:

Ambry Genetics
Classification: Uncertain significance for Hereditary cancer-predisposing syndrome. Last evaluated: 2024-12-01. Review status: criteria provided, single submitter. Criteria: Ambry Variant Classification Scheme 2023. Collection method: clinical testing. Allele origin: germline.
Comment: The p.S3147F variant (also known as c.9440C>T), located in coding exon 24 of the BRCA2 gene, results from a C to T substitution at nucleotide position 9440. The serine at codon 3147 is replaced by phenylalanine, an amino acid with highly dissimilar properties. This amino acid position is conserved. In addition, this alteration is predicted to be deleterious by in silico analysis. Based on the available evidence, the clinical significance of this variant remains unclear.

NM_000059.4(BRCA2):c.9440C>T (p.Ser3147Phe)

Gene: BRCA2 (BRCA2 DNA repair associated; plus strand). Cytogenetic location: 13q13.1.
Variant type: single nucleotide variant.
Coding change: c.9440C>T on transcript NM_000059.4 (MANE Select); coding-DNA position 9440, C replaced by T.
Protein change: p.Ser3147Phe; replaces serine 3147 with phenylalanine.
Molecular consequence: missense variant. On other transcripts: non-coding transcript variant (1).
Genome position (GRCh38, 1-based): chr13:32,394,872, C>T. VCF-style: chr13-32394872-C-T. GRCh37 (hg19) VCF-style: chr13-32969009-C-T.
Other names: c.4508C>T, p.Ser1503Phe (NM_001406721.1); c.3023C>T, p.Ser1008Phe (NM_001406722.1); c.9389C>T, p.Ser3130Phe (NM_001406720.1); c.9344C>T, p.Ser3115Phe (NM_001406719.1); c.9440C>T, p.Ser3147Phe (NM_001432077.1); short protein forms S1503F, S3115F, S3130F, S3147F, S1008F.
Identifiers: ClinVar variation 3482211 (VCV003482211.1).
Genomic context (GRCh38, chr13:32,394,872, plus strand): 5'-GGCGACCAGAATCCAAATCAGGCCTTCTTACTTTATTTGCTGGAGATTTTTCTGTGTTTT[C>T]TGCTAGTCCAAAAGAGGGCCACTTTCAAGAGACATTCAACAAAATGAAAAATACTGTTGA-3'
Protein context (NP_000050.3, residues 3137-3157): TLFAGDFSVF[Ser3147Phe]ASPKEGHFQE